The following is an entry in ClinVar:

ClinVar aggregate classification (germline): Likely pathogenic. Review status: criteria provided, multiple submitters, no conflicts (2 of 4 stars). 2 submissions from 2 submitters: Likely pathogenic (2). Last evaluated 2024-06-03.

Conditions:
Intellectual developmental disorder, X-linked, syndromic 14. Also called: Syndromic X-linked intellectual disability 14. Identifiers: Orphanet 776, MedGen C1970822, MONDO:0010398, OMIM 300676.

Submissions (2):

GeneDx
Classification: Likely pathogenic. Last evaluated: 2024-06-03. Review status: criteria provided, single submitter. Criteria: GeneDx Variant Classification Process June 2021. Collection method: clinical testing. Allele origin: germline. Affected: yes.
Comment: Nonsense variant predicted to result in protein truncation or nonsense mediated decay in a gene for which loss of function is a known mechanism of disease; Not observed at significant frequency in large population cohorts (gnomAD); Has not been previously published as pathogenic or benign to our knowledge

New York Genome Center
Classification: Likely pathogenic for Intellectual developmental disorder, X-linked, syndromic 14. Last evaluated: 2023-01-21. Review status: criteria provided, single submitter. Criteria: NYGC Assertion Criteria 2020. Collection method: clinical testing. Allele origin: inherited. Observed: 1 variant allele, 1 hemizygote.
Comment: The c.37C>T variant in UPF3B has not previously been reported in the literature or public variant repositories (ClinVar and LOVD), and is absent from population databases (gnomAD v2.1.1 and v3.1.2, TOPMed Freeze 8), suggesting it is not a common benign variant in the populations represented in those databases.The c.37C>T variant in UPF3B is located in exon 1 of this 10-exon gene, is predicted to incorporate a premature termination codon (p.(Arg13Ter)), and predicted to result in either loss of the first 72 amino acids should the next inframe methionine is utilized for translation and cause the lack of first 42 amino acid of UPF2 binding domain (aa 30-255) or result in loss-of-function via nonsense mediated decay. Another stop-codon variant located in exon 1 (c.118C>T p.(Gln40Ter)) has been reported in three affected male members of a large family and was demonstrated to result in loss-of-function [PMID:31737052]. Based on available evidence this inherited c.37C>T p.(Arg13Ter) variant identified in UPF3B is classified as Likely pathogenic.

NM_080632.3(UPF3B):c.37C>T (p.Arg13Ter)

Gene: UPF3B (UPF3B regulator of nonsense mediated mRNA decay; minus strand). Cytogenetic location: Xq24.
Variant type: single nucleotide variant.
Coding change: c.37C>T on transcript NM_080632.3 (MANE Select); coding-DNA position 37, C replaced by T.
Protein change: p.Arg13Ter; replaces arginine 13 with a stop codon.
Molecular consequence: nonsense.
Genome position (GRCh38, 1-based): chrX:119,852,892, G>A on the plus strand (C>T on the coding strand, the complement: UPF3B is on the minus strand). VCF-style: chrX-119852892-G-A. GRCh37 (hg19) VCF-style: chrX-118986855-G-A.
Other names: c.37C>T (NM_023010.3); c.37C>T, p.Arg13Ter (NM_023010.4); short protein forms R13*.
Identifiers: ClinVar variation 3384385 (VCV003384385.2).